The following is an entry in ClinVar:

ClinVar aggregate classification (germline): Uncertain significance (1 of 4 stars; one submission).

Conditions:
Hereditary cancer-predisposing syndrome. Also called: Neoplastic Syndromes, Hereditary; Tumor predisposition; Hereditary Cancer Syndrome; Hereditary neoplastic syndrome. Identifiers: Orphanet 140162, MedGen C0027672, MeSH D009386, MONDO:0015356.

Submission:

Ambry Genetics
Classification: Uncertain significance for Hereditary cancer-predisposing syndrome. Last evaluated: 2014-01-29. Review status: criteria provided, single submitter. Criteria: Ambry Autosomal Dominant and X-Linked criteria (10/2015). Collection method: clinical testing. Allele origin: germline. Observed: 1 variant allele.
Comment: The p.H2479Y variant (also known as c.7435C>T), located in coding exon 50 of the NF1 gene, results from a C to T substitution at nucleotide position 7435. The histidine at codon 2479 is replaced by tyrosine, an amino acid with similar properties. This variant was not reported in population based cohorts in the following databases: Database of Single Nucleotide Polymorphisms (dbSNP), NHLBI Exome Sequencing Project (ESP), and 1000 Genomes Project.To date, this alteration has been detected with an allele frequency of approximately 0.66% (greater than 150 alleles tested) in our clinical cohort (includes this individual). Based on protein sequence alignment, thisamino acid position is highly conserved in available vertebrate species. In addition, this alteration is predicted to be tolerated by in silico analysis.Since supporting evidence is limited at this time, the clinical significance ofp.H2479Yremains unclear.

NM_001042492.3(NF1):c.7435C>T (p.His2479Tyr)

Gene: NF1 (neurofibromin 1; plus strand). Cytogenetic location: 17q11.2.
Variant type: single nucleotide variant.
Coding change: c.7435C>T on transcript NM_001042492.3 (MANE Select); coding-DNA position 7435, C replaced by T.
Protein change: p.His2479Tyr; replaces histidine 2479 with tyrosine.
Molecular consequence: missense variant.
Genome position (GRCh38, 1-based): chr17:31,350,296, C>T. VCF-style: chr17-31350296-C-T. GRCh37 (hg19) VCF-style: chr17-29677314-C-T.
Other names: c.7372C>T, p.His2458Tyr (NM_000267.4); short protein forms H2458Y, H2479Y.
Identifiers: ClinVar variation 141930 (VCV000141930.3), dbSNP rs587782119, ClinGen allele CA166814.